The following is an entry in ClinVar:

NM_000143.4(FH):c.26_43dup (p.Ala9_Leu14dup)

Gene: FH (fumarate hydratase; minus strand). Cytogenetic location: 1q43.
Variant type: Duplication.
Coding change: c.26_43dup on transcript NM_000143.4 (MANE Select); coding-DNA positions 26 to 43, 18 bases duplicated (CGCGCTCGCGTCCCCTCG).
Protein change: p.Ala9_Leu14dup.
Molecular consequence: inframe insertion.
Genome position (GRCh38, 1-based): chr1:241,519,680-241,519,697, CGAGGGGACGCGAGCGCG duplicated on the plus strand (CGCGCTCGCGTCCCCTCG on the coding strand, the reverse complement: FH is on the minus strand); duplicating any 18 consecutive bases within chr1:241,519,680-241,519,702 gives the same sequence; the c. name uses the placement nearest the transcript's 3' end. VCF-style (leftmost placement, unchanged base first): chr1-241519679-A-ACGAGGGGACGCGAGCGCG. GRCh37 (hg19) VCF-style: chr1-241682979-A-ACGAGGGGACGCGAGCGCG.
Other names: c.26_43dupCGCGCTCGCGTCCCCTCG (NM_000143.3).
Identifiers: ClinVar variation 840406 (VCV000840406.12), dbSNP rs1395036789, ClinGen allele CA529933265.

ClinVar aggregate classification (germline): Conflicting classifications of pathogenicity. Review status: criteria provided, conflicting classifications (1 of 4 stars). 4 submissions from 4 submitters: Uncertain significance (2); Likely benign (1). 1 of the submissions does not count toward it. Last evaluated 2025-11-10.

Conditions:
Fumarase deficiency (FMRD). Also called: Fumarate Hydratase Deficiency; Fumaric aciduria. Identifiers: Orphanet 24, MedGen C0342770, MONDO:0011730, OMIM 606812.
Hereditary cancer-predisposing syndrome. Also called: Neoplastic Syndromes, Hereditary; Hereditary neoplastic syndrome; Tumor predisposition; Hereditary Cancer Syndrome. Identifiers: Orphanet 140162, MedGen C0027672, MeSH D009386, MONDO:0015356.

Submissions (4):

Labcorp Genetics (formerly Invitae), Labcorp
Classification: Uncertain significance. Last evaluated: 2025-11-10. Review status: criteria provided, single submitter. Criteria: Invitae Variant Classification Sherloc (09022015). Collection method: clinical testing. Allele origin: germline.
Comment: This variant, c.26_43dup, results in the insertion of 6 amino acid(s) of the FH protein (p.Ala9_Leu14dup), but otherwise preserves the integrity of the reading frame. This variant is present in population databases (no rsID available, gnomAD 0.01%). This variant has not been reported in the literature in individuals affected with FH-related conditions. ClinVar contains an entry for this variant (Variation ID: 840406). Experimental studies and prediction algorithms are not available or were not evaluated, and the functional significance of this variant is currently unknown. In summary, the available evidence is currently insufficient to determine the role of this variant in disease. Therefore, it has been classified as a Variant of Uncertain Significance.

GeneDx
Classification: Uncertain significance. Last evaluated: 2024-01-10. Review status: criteria provided, single submitter. Criteria: GeneDx Variant Classification Process June 2021. Collection method: clinical testing. Allele origin: germline. Affected: yes.
Comment: Not observed at significant frequency in large population cohorts (gnomAD); In-frame duplication of 6 amino acids in a non-repeat region; Observed in at least one individual with pheochromocytoma (PMID: 34750850); This variant is associated with the following publications: (PMID: 34750850)

Ambry Genetics
Classification: Likely benign for Hereditary cancer-predisposing syndrome. Last evaluated: 2023-03-06. Review status: criteria provided, single submitter. Criteria: Ambry Variant Classification Scheme 2023. Collection method: clinical testing. Allele origin: germline.

Natera, Inc.
Classification: Uncertain significance for Fumarase Deficiency. Last evaluated: 2020-11-02. Review status: no assertion criteria provided. Collection method: clinical testing. Allele origin: germline. Not counted in ClinVar's aggregate classification.